The following is an entry in ClinVar:

ClinVar aggregate classification (germline): Likely pathogenic. Review status: criteria provided, multiple submitters, no conflicts (2 of 4 stars). 4 submissions from 4 submitters: Likely pathogenic (3). 1 of the submissions does not count toward it. Last evaluated 2025-07-21.

Conditions:
EVC2-related disorders.
Curry-Hall syndrome (WAD). Also called: WEYERS ACRODENTAL DYSOSTOSIS. Identifiers: Orphanet 952, MedGen C0457013, MONDO:0008673, OMIM 193530.
Ellis-van Creveld syndrome (EVC). Also called: Chondroectodermal dysplasia; MESOECTODERMAL DYSPLASIA. Identifiers: Orphanet 289, MedGen C0013903, MONDO:0009162, OMIM 225500.

Allele frequency attached by ClinVar (database versions not stated): ExAC 0.00002; gnomAD exomes 0.00002; gnomAD 0.00003 and 0.00004.
gnomAD v4.1: 36 of 1,613,742 alleles (0.0022%); highest among the groups gnomAD compares: Non-Finnish European, 0.00017%; no homozygotes.

Submissions (5):

Labcorp Genetics (formerly Invitae), Labcorp
Classification: Likely pathogenic for Curry-Hall syndrome; Ellis-van Creveld syndrome. Last evaluated: 2025-07-21. Review status: criteria provided, single submitter. Criteria: Invitae Variant Classification Sherloc (09022015). Collection method: clinical testing. Allele origin: germline.
Comment: This sequence change affects an acceptor splice site in intron 1 of the EVC2 gene. It is expected to disrupt RNA splicing. Variants that disrupt the donor or acceptor splice site typically lead to a loss of protein function (PMID: 16199547), and loss-of-function variants in EVC2 are known to be pathogenic (PMID: 17024374, 19810119, 19876929). This variant is present in population databases (rs769799880, gnomAD 0.02%). This variant has not been reported in the literature in individuals affected with EVC2-related conditions. ClinVar contains an entry for this variant (Variation ID: 553077). Algorithms developed to predict the effect of sequence changes on RNA splicing suggest that this variant may disrupt the consensus splice site. In summary, the currently available evidence indicates that the variant is pathogenic, but additional data are needed to prove that conclusively. Therefore, this variant has been classified as Likely Pathogenic.

Fulgent Genetics
Classification: Likely pathogenic for Curry-Hall syndrome; Ellis-van Creveld syndrome. Last evaluated: 2024-06-18. Review status: criteria provided, single submitter. Criteria: ACMG Guidelines, 2015. Collection method: clinical testing. Allele origin: germline.

Blueprint Genetics
Classification: Likely pathogenic for EVC2-related disorders. Last evaluated: 2024-03-08. Review status: criteria provided, single submitter. Criteria: ACMG Guidelines, 2015. Collection method: clinical testing. Allele origin: germline. Affected: yes. Observed: 4 variant alleles.

Counsyl
Classification: Likely pathogenic for Ellis-van Creveld syndrome. Last evaluated: 2017-08-01. Review status: no assertion criteria provided. Collection method: clinical testing. Allele origin: unknown. Not counted in ClinVar's aggregate classification.

Dr. Peter K. Rogan Lab, Western University
No classification provided (evidence only). Condition: Thyroid cancer, nonmedullary, 1. Review status: no classification provided. Collection method: in vitro. Allele origin: not applicable. Functional consequence: retained intron. Not counted in ClinVar's aggregate classification.

Literature cited by the submitters: PubMed 16199547 (cited by Labcorp Genetics (formerly Invitae), Labcorp); PubMed 17024374 (cited by Labcorp Genetics (formerly Invitae), Labcorp); PubMed 19810119 (cited by Labcorp Genetics (formerly Invitae), Labcorp); PubMed 19876929 (cited by Labcorp Genetics (formerly Invitae), Labcorp).

NM_147127.5(EVC2):c.229-2A>G

Gene: EVC2 (EvC ciliary complex subunit 2; minus strand). Cytogenetic location: 4p16.2.
Variant type: single nucleotide variant.
Coding change: c.229-2A>G on transcript NM_147127.5 (MANE Select); the canonical splice acceptor site of the intron before coding-DNA position 229, A replaced by G.
Molecular consequence: splice acceptor variant.
Genome position (GRCh38, 1-based): chr4:5,697,649, T>C on the plus strand (A>G on the coding strand, the complement: EVC2 is on the minus strand). VCF-style: chr4-5697649-T-C. GRCh37 (hg19) VCF-style: chr4-5699376-T-C.
Other names: c.-12-2A>G (NM_001166136.2).
Identifiers: ClinVar variation 553077 (VCV000553077.14), dbSNP rs769799880, ClinGen allele CA2835539.